The following is an entry in ClinVar:

ClinVar aggregate classification (germline): Conflicting classifications of pathogenicity. Review status: criteria provided, conflicting classifications (1 of 4 stars). 7 submissions from 7 submitters: Uncertain significance (1); Likely benign (4). 2 of the submissions do not count toward it. Last evaluated 2025-12-27.

Conditions:
Abnormal bleeding. Also called: Bleeding diathesis. Identifiers: MedGen C1458140, HP:0001892.
Thrombocytopenia. Identifiers: MedGen C0040034, MeSH D013921, MONDO:0002049, HP:0001873.
Cholestasis, progressive familial intrahepatic, 12 (PFIC12). Also called: CHOLESTASIS, ISOLATED LOW-GGT. Identifiers: MedGen C5774311, MONDO:0031040, OMIM 620010.
Arthrogryposis, renal dysfunction, and cholestasis 1 (ARCS1). Identifiers: Orphanet 2697, MedGen C1859722, MONDO:0008822, OMIM 208085.
Keratoderma-ichthyosis-deafness syndrome, autosomal recessive (KDIDAR). Identifiers: MedGen C5774200, MONDO:0859278, OMIM 620009.
VPS33B-related disorder. Also called: VPS33B-related condition.

Allele frequency attached by ClinVar (database versions not stated): 1000 Genomes Project 30x 0.00031; 1000 Genomes Project 0.00040; TOPMed 0.00088; gnomAD 0.00092 and 0.00094; gnomAD exomes 0.00125 and 0.00173; ExAC 0.00157; ESP Exome Variant Server 0.00162.

Submissions (7):

Labcorp Genetics (formerly Invitae), Labcorp
Classification: Likely benign. Last evaluated: 2025-12-27. Review status: criteria provided, single submitter. Criteria: Invitae Variant Classification Sherloc (09022015). Collection method: clinical testing. Allele origin: germline.

Mayo Clinic Laboratories, Mayo Clinic
Classification: Likely benign. Last evaluated: 2025-09-09. Review status: criteria provided, single submitter. Criteria: ACMG Guidelines, 2015. Collection method: clinical testing. Allele origin: germline. Observed: 4 variant alleles.
Comment: BS1, BS2

Department of Pathology and Laboratory Medicine, Sinai Health System
Classification: Likely benign for Arthrogryposis, renal dysfunction, and cholestasis 1; Keratoderma-ichthyosis-deafness syndrome, autosomal recessive; Cholestasis, progressive familial intrahepatic, 12. Last evaluated: 2022-05-10. Review status: criteria provided, single submitter. Criteria: ACMG Guidelines, 2015. Collection method: research. Allele origin: germline.

Eurofins Ntd Llc (ga)
Classification: Uncertain significance. Last evaluated: 2018-08-27. Review status: criteria provided, single submitter. Criteria: EGL ClinVar v180209 classification definitions. Collection method: clinical testing. Allele origin: germline. Observed: 1 variant allele, 1 heterozygote.

Illumina Laboratory Services, Illumina
Classification: Likely benign for Arthrogryposis, renal dysfunction, and cholestasis 1. Last evaluated: 2018-01-13. Review status: criteria provided, single submitter. Criteria: ICSL Variant Classification Criteria 13 December 2019. Collection method: clinical testing. Allele origin: germline.
Comment: This variant was observed in the ICSL laboratory as part of a predisposition screen in an ostensibly healthy population. It had not been previously curated by ICSL or reported in the Human Gene Mutation Database (HGMD: prior to June 1st, 2018), and was therefore a candidate for classification through an automated scoring system. Utilizing variant allele frequency, disease prevalence and penetrance estimates, and inheritance mode, an automated score was calculated to assess if this variant is too frequent to cause the disease. Based on the score and internal cut-off values, a variant classified as likely benign is not then subjected to further curation. The score for this variant resulted in a classification of likely benign for this disease.

PreventionGenetics, part of Exact Sciences
Classification: Likely benign for VPS33B-related condition. Last evaluated: 2022-07-13. Review status: no assertion criteria provided. Collection method: clinical testing. Allele origin: germline. Not counted in ClinVar's aggregate classification.
Comment: This variant is classified as likely benign based on ACMG/AMP sequence variant interpretation guidelines (Richards et al. 2015 PMID: 25741868, with internal and published modifications).

Birmingham Platelet Group; University of Birmingham
Classification: Uncertain significance for Thrombocytopenia; Abnormal bleeding. Last evaluated: 2020-05-01. Review status: no assertion criteria provided. Collection method: research. Allele origin: germline. Affected: yes. Not counted in ClinVar's aggregate classification.

NM_018668.5(VPS33B):c.1274G>A (p.Ser425Asn)

Gene: VPS33B (VPS33B late endosome and lysosome associated; minus strand). Cytogenetic location: 15q26.1.
Variant type: single nucleotide variant.
Coding change: c.1274G>A on transcript NM_018668.5 (MANE Select); coding-DNA position 1274, G replaced by A.
Protein change: p.Ser425Asn; replaces serine 425 with asparagine.
Molecular consequence: missense variant.
Genome position (GRCh38, 1-based): chr15:91,002,181, C>T on the plus strand (G>A on the coding strand, the complement: VPS33B is on the minus strand). VCF-style: chr15-91002181-C-T. GRCh37 (hg19) VCF-style: chr15-91545411-C-T.
Other names: p.Ser425Asn; c.1193G>A, p.Ser398Asn (NM_001289148.1); c.1001G>A, p.Ser334Asn (NM_001289149.1); short protein forms S425N, S334N, S398N.
Identifiers: ClinVar variation 317421 (VCV000317421.24), dbSNP rs139709507, ClinGen allele CA7744691.